The following is an entry in ClinVar:

NC_000016.9:g.(?_1618198)_(1618355_?)del

Gene: IFT140 (intraflagellar transport 140; minus strand). Cytogenetic location: 16p13.3.
Variant type: Deletion.
Identifiers: ClinVar variation 2425965 (VCV002425965.4).

ClinVar aggregate classification (germline): Pathogenic (1 of 4 stars; one submission).

Conditions:
Saldino-Mainzer syndrome (SRTD9). Also called: CONORENAL SYNDROME; Renal dysplasia, retinal pigmentary dystrophy, cerebellar ataxia and skeletal dysplasia; SHORT-RIB THORACIC DYSPLASIA 9 WITHOUT POLYDACTYLY; short-rib thoracic dysplasia 9 with or without polydactyly. Identifiers: Orphanet 140969, MedGen C1849437, MONDO:0009964, OMIM 266920.

Submission:

Labcorp Genetics (formerly Invitae), Labcorp
Classification: Pathogenic for Saldino-Mainzer syndrome. Last evaluated: 2022-08-10. Review status: criteria provided, single submitter. Criteria: Invitae Variant Classification Sherloc (09022015). Collection method: clinical testing. Allele origin: germline.
Comment: For these reasons, this variant has been classified as Pathogenic. This variant has not been reported in the literature in individuals affected with IFT140-related conditions. This variant is a gross deletion of the genomic region encompassing exon(s) 15 of the IFT140 gene. This deletion is out-of-frame, and is expected to create a premature termination codon and result in an absent or disrupted protein product. Loss-of-function variants in IFT140 are known to be pathogenic (PMID: 22503633, 23418020, 24009529, 26216056).

Literature cited by the submitters: PubMed 22503633; PubMed 23418020; PubMed 24009529; PubMed 26216056.